The following is an entry in ClinVar:

ClinVar aggregate classification (germline): Conflicting classifications of pathogenicity. Review status: criteria provided, conflicting classifications (1 of 4 stars). 3 submissions from 3 submitters: Uncertain significance (2); Likely benign (1). Last evaluated 2024-05-26.

Conditions:
Inborn genetic diseases. Identifiers: MedGen C0950123, MeSH D030342.

Allele frequency attached by ClinVar (database versions not stated): TOPMed 0.00002; ExAC 0.00005.
gnomAD v4.1: 16 of 1,612,666 alleles (0.00099%); highest among the groups gnomAD compares: Admixed American, 0.023%; no homozygotes.

Submissions (3):

Ambry Genetics
Classification: Likely benign for Inborn genetic diseases. Last evaluated: 2024-05-26. Review status: criteria provided, single submitter. Criteria: Ambry Variant Classification Scheme 2023. Collection method: clinical testing. Allele origin: germline.

Mayo Clinic Laboratories, Mayo Clinic
Classification: Uncertain significance. Last evaluated: 2023-05-26. Review status: criteria provided, single submitter. Criteria: ACMG Guidelines, 2015. Collection method: clinical testing. Allele origin: germline. Observed: 1 variant allele.

Labcorp Genetics (formerly Invitae), Labcorp
Classification: Uncertain significance. Last evaluated: 2021-08-26. Review status: criteria provided, single submitter. Criteria: Invitae Variant Classification Sherloc (09022015). Collection method: clinical testing. Allele origin: germline.
Comment: This sequence change replaces serine with threonine at codon 2781 of the VPS13A protein (p.Ser2781Thr). The serine residue is highly conserved and there is a small physicochemical difference between serine and threonine. This variant is present in population databases (rs750690310, ExAC 0.05%). This variant has not been reported in the literature in individuals affected with VPS13A-related conditions. Algorithms developed to predict the effect of missense changes on protein structure and function are either unavailable or do not agree on the potential impact of this missense change (SIFT: "Tolerated"; PolyPhen-2: "Probably Damaging"; Align-GVGD: "Class C0"). In summary, the available evidence is currently insufficient to determine the role of this variant in disease. Therefore, it has been classified as a Variant of Uncertain Significance.

NM_033305.3(VPS13A):c.8341T>A (p.Ser2781Thr)

Gene: VPS13A (vacuolar protein sorting 13 homolog A; plus strand). Cytogenetic location: 9q21.2.
Variant type: single nucleotide variant.
Coding change: c.8341T>A on transcript NM_033305.3 (MANE Select); coding-DNA position 8341, T replaced by A.
Protein change: p.Ser2781Thr; replaces serine 2781 with threonine.
Molecular consequence: missense variant.
Genome position (GRCh38, 1-based): chr9:77,366,742, T>A. VCF-style: chr9-77366742-T-A. GRCh37 (hg19) VCF-style: chr9-79981658-T-A.
Other names: p.Ser2781Thr; c.8224T>A, p.Ser2742Thr (NM_001018037.2); c.8341T>A, p.Ser2781Thr (NM_001018038.3, NM_015186.4); c.8341T>A (NM_033305.2); short protein forms S2742T, S2781T.
Identifiers: ClinVar variation 2200368 (VCV002200368.3), dbSNP rs750690310, ClinGen allele CA5093620.
Genomic context (GRCh38, chr9:77,366,742, plus strand): 5'-ATATGAAGAAAATACTTTTAAATATTTATCTCTTTATCTTTTTAGTTACATTTAAGTGTT[T>A]CACTGAGTTCCGGCAGAGAAGAAGCTAAAGATTCAAAACAAAATGGAGGACTGATTCCAG-3'
Protein context (NP_150648.2, residues 2771-2791): ISPIKLHLSV[Ser2781Thr]LSSGREEAKD